The following is an entry in ClinVar:

NM_002470.4(MYH3):c.3164_3165del (p.Lys1055fs)

Gene: MYH3 (myosin heavy chain 3; minus strand). Cytogenetic location: 17p13.1.
Variant type: Deletion.
Coding change: c.3164_3165del on transcript NM_002470.4 (MANE Select); coding-DNA positions 3164 to 3165, 2 bases deleted (AA; older notation c.3164_3165delAA).
Protein change: p.Lys1055fs; shifts the reading frame from lysine 1055.
Molecular consequence: frameshift variant.
Genome position (GRCh38, 1-based): chr17:10,639,127-10,639,128, TT deleted on the plus strand (AA on the coding strand, the reverse complement: MYH3 is on the minus strand); deleting any 2 consecutive bases within chr17:10,639,127-10,639,129 gives the same sequence; the c. name uses the placement nearest the transcript's 3' end. VCF-style (leftmost placement, unchanged base first): chr17-10639126-ATT-A. GRCh37 (hg19) VCF-style: chr17-10542443-ATT-A.
Other names: short protein forms K1055fs.
Identifiers: ClinVar variation 2095900 (VCV002095900.4), dbSNP rs1567555735, ClinGen allele CA625029864.
Genomic context (GRCh38, chr17:10,639,126, plus strand): 5'-GTTGCTTGTCATTCTCCAGATCTAATATGGACTCTTGAGCAAGCTTCAAGTCTCCTTCCA[ATT>A]TCCTTTTGTTCCTTTCCAGGTCTACTCGGAGCTTCTTTTCTTGTTCTAGGGAGCTTTCCA-3'

ClinVar aggregate classification (germline): Pathogenic (1 of 4 stars; one submission).

Submission:

Labcorp Genetics (formerly Invitae), Labcorp
Classification: Pathogenic. Last evaluated: 2024-08-28. Review status: criteria provided, single submitter. Criteria: Invitae Variant Classification Sherloc (09022015). Collection method: clinical testing. Allele origin: germline.
Comment: This sequence change creates a premature translational stop signal (p.Lys1055Ilefs*18) in the MYH3 gene. It is expected to result in an absent or disrupted protein product. Loss-of-function variants in MYH3 are known to be pathogenic (PMID: 29805041, 30008475). This variant is present in population databases (no rsID available, gnomAD 0.002%). This variant has not been reported in the literature in individuals affected with MYH3-related conditions. ClinVar contains an entry for this variant (Variation ID: 2095900). Algorithms developed to predict the effect of sequence changes on RNA splicing suggest that this variant may disrupt the consensus splice site. For these reasons, this variant has been classified as Pathogenic.

Literature cited by the submitters: PubMed 29805041; PubMed 30008475.